The following is an entry in ClinVar:

ClinVar aggregate classification (germline): Uncertain significance. Review status: criteria provided, multiple submitters, no conflicts (2 of 4 stars). 2 submissions from 2 submitters: Uncertain significance (2). Last evaluated 2024-08-31.

Conditions:
Hereditary cancer-predisposing syndrome. Also called: Hereditary neoplastic syndrome; Hereditary Cancer Syndrome; Neoplastic Syndromes, Hereditary; Tumor predisposition. Identifiers: Orphanet 140162, MedGen C0027672, MeSH D009386, MONDO:0015356.

Submissions (2):

Ambry Genetics
Classification: Uncertain significance for Hereditary cancer-predisposing syndrome. Last evaluated: 2024-08-31. Review status: criteria provided, single submitter. Criteria: Ambry Variant Classification Scheme 2023. Collection method: clinical testing. Allele origin: germline.
Comment: The p.S580Y variant (also known as c.1739C>A), located in coding exon 11 of the CTNNA1 gene, results from a C to A substitution at nucleotide position 1739. The serine at codon 580 is replaced by tyrosine, an amino acid with dissimilar properties. This amino acid position is conserved. In addition, this alteration is predicted to be tolerated by in silico analysis. Based on the available evidence, the clinical significance of this variant remains unclear.

Labcorp Genetics (formerly Invitae), Labcorp
Classification: Uncertain significance. Last evaluated: 2023-10-18. Review status: criteria provided, single submitter. Criteria: Invitae Variant Classification Sherloc (09022015). Collection method: clinical testing. Allele origin: germline.
Comment: This sequence change replaces serine, which is neutral and polar, with tyrosine, which is neutral and polar, at codon 580 of the CTNNA1 protein (p.Ser580Tyr). This variant is not present in population databases (gnomAD no frequency). This variant has not been reported in the literature in individuals affected with CTNNA1-related conditions. Advanced modeling of protein sequence and biophysical properties (such as structural, functional, and spatial information, amino acid conservation, physicochemical variation, residue mobility, and thermodynamic stability) performed at Invitae indicates that this missense variant is not expected to disrupt CTNNA1 protein function. In summary, the available evidence is currently insufficient to determine the role of this variant in disease. Therefore, it has been classified as a Variant of Uncertain Significance.

NM_001903.5(CTNNA1):c.1739C>A (p.Ser580Tyr)

Gene: CTNNA1 (catenin alpha 1; plus strand). Cytogenetic location: 5q31.2.
Variant type: single nucleotide variant.
Coding change: c.1739C>A on transcript NM_001903.5 (MANE Select); coding-DNA position 1739, C replaced by A.
Protein change: p.Ser580Tyr; replaces serine 580 with tyrosine.
Molecular consequence: missense variant.
Genome position (GRCh38, 1-based): chr5:138,924,702, C>A. VCF-style: chr5-138924702-C-A. GRCh37 (hg19) VCF-style: chr5-138260391-C-A.
Other names: c.1739C>A, p.Ser580Tyr (NM_001290307.3, NM_001323982.2, NM_001323983.1 and 2 more transcripts); c.1430C>A, p.Ser477Tyr (NM_001290309.3); c.1370C>A, p.Ser457Tyr (NM_001290310.3); c.629C>A, p.Ser210Tyr (NM_001290312.1, NM_001323987.1, NM_001323988.1 and 17 more transcripts); c.1646C>A, p.Ser549Tyr (NM_001323986.2); c.290C>A, p.Ser97Tyr (NM_001324006.1, NM_001324007.1, NM_001324008.1 and 2 more transcripts); c.536C>A, p.Ser179Tyr (NM_001324011.1); c.386C>A, p.Ser129Tyr (NM_001324012.1, NM_001324013.1); and 1 more; short protein forms S179Y, S580Y, S129Y, S477Y, S549Y, S97Y, S210Y, S457Y.
Identifiers: ClinVar variation 2769702 (VCV002769702.4), dbSNP rs2533714367, ClinGen allele CA361132088.